The following is an entry in ClinVar:

NM_002691.4(POLD1):c.1065C>A (p.Leu355=)

Gene: POLD1 (DNA polymerase delta 1, catalytic subunit; plus strand). Cytogenetic location: 19q13.33.
Variant type: single nucleotide variant.
Coding change: c.1065C>A on transcript NM_002691.4 (MANE Select); coding-DNA position 1065, C replaced by A.
Protein change: p.Leu355=; no amino-acid change (leucine 355 retained).
Molecular consequence: synonymous variant. On other transcripts: non-coding transcript variant (1).
Genome position (GRCh38, 1-based): chr19:50,403,147, C>A. VCF-style: chr19-50403147-C-A. GRCh37 (hg19) VCF-style: chr19-50906404-C-A.
Other names: c.1065C>A, p.Leu355= (NM_001256849.1, NM_001308632.1); c.1065C>A (NM_002691.2).
Identifiers: ClinVar variation 439246 (VCV000439246.13), dbSNP rs1555790429, ClinGen allele CA508182674.

ClinVar aggregate classification (germline): Conflicting classifications of pathogenicity. Review status: criteria provided, conflicting classifications (1 of 4 stars). 5 submissions from 5 submitters: Uncertain significance (1); Benign (1); Likely benign (3). Last evaluated 2025-11-05.

Conditions:
POLD1-related polyposis and colorectal cancer syndrome (CRCS10). Also called: Colorectal cancer 10; COLORECTAL CANCER, SUSCEPTIBILITY TO, ON CHROMOSOME 19q; Colorectal cancer, susceptibility to, 10. Identifiers: Orphanet 220460, MedGen C2675481, MONDO:0012953, OMIM 612591.
Hereditary cancer-predisposing syndrome. Also called: Neoplastic Syndromes, Hereditary; Hereditary neoplastic syndrome; Tumor predisposition; Hereditary Cancer Syndrome. Identifiers: Orphanet 140162, MedGen C0027672, MeSH D009386, MONDO:0015356.

gnomAD v4.1: 15 of 1,560,994 alleles (0.00096%); highest among the groups gnomAD compares: Non-Finnish European, 0.0012%; no homozygotes.

Submissions (5):

Ambry Genetics
Classification: Uncertain significance for Hereditary cancer-predisposing syndrome. Last evaluated: 2025-11-05. Review status: criteria provided, single submitter. Criteria: Ambry Variant Classification Scheme 2023. Collection method: clinical testing. Allele origin: germline.
Comment: The c.1065C>A variant (also known as p.L355L), located in coding exon 8 of the POLD1 gene, results from a C to A substitution at nucleotide position 1065. This nucleotide substitution does not change the leucine at codon 355. This nucleotide position is highly conserved in available vertebrate species. In silico splice site analysis for this alteration is inconclusive. Based on the available evidence, the clinical significance of this variant remains unclear.

Labcorp Genetics (formerly Invitae), Labcorp
Classification: Likely benign for POLD1-related polyposis and colorectal cancer syndrome. Last evaluated: 2025-11-05. Review status: criteria provided, single submitter. Criteria: Invitae Variant Classification Sherloc (09022015). Collection method: clinical testing. Allele origin: germline.

Myriad Genetics, Inc.
Classification: Benign for POLD1-related polyposis and colorectal cancer syndrome. Last evaluated: 2025-02-05. Review status: criteria provided, single submitter. Criteria: Myriad Autosomal Dominant, Autosomal Recessive and X-Linked Classification Criteria (2023). Collection method: clinical testing. Allele origin: unknown.
Comment: This variant is considered benign. This variant is a silent/synonymous amino acid change and it is not expected to impact splicing.

GeneDx
Classification: Likely benign. Last evaluated: 2017-10-13. Review status: criteria provided, single submitter. Criteria: GeneDx Variant Classification (06012015). Collection method: clinical testing. Allele origin: germline. Affected: yes.
Comment: This variant is considered likely benign or benign based on one or more of the following criteria: it is a conservative change, it occurs at a poorly conserved position in the protein, it is predicted to be benign by multiple in silico algorithms, and/or has population frequency not consistent with disease.

Quest Diagnostics Nichols Institute San Juan Capistrano
Classification: Likely benign. Last evaluated: 2017-04-21. Review status: criteria provided, single submitter. Criteria: Quest Diagnostics criteria. Collection method: clinical testing. Allele origin: germline.